The following is an entry in ClinVar:

ClinVar aggregate classification (germline): Uncertain significance (1 of 4 stars; one submission).

Submission:

Labcorp Genetics (formerly Invitae), Labcorp
Classification: Uncertain significance. Last evaluated: 2025-05-15. Review status: criteria provided, single submitter. Criteria: Invitae Variant Classification Sherloc (09022015). Collection method: clinical testing. Allele origin: germline.
Comment: This sequence change replaces serine, which is neutral and polar, with alanine, which is neutral and non-polar, at codon 2999 of the DCHS1 protein (p.Ser2999Ala). This variant is not present in population databases (gnomAD no frequency). This variant has not been reported in the literature in individuals affected with DCHS1-related conditions. Invitae Evidence Modeling of protein sequence and biophysical properties (such as structural, functional, and spatial information, amino acid conservation, physicochemical variation, residue mobility, and thermodynamic stability) indicates that this missense variant is not expected to disrupt DCHS1 protein function with a negative predictive value of 80%. In summary, the available evidence is currently insufficient to determine the role of this variant in disease. Therefore, it has been classified as a Variant of Uncertain Significance.

NM_003737.4(DCHS1):c.8995T>G (p.Ser2999Ala)

Gene: DCHS1 (dachsous cadherin-related 1; minus strand). Cytogenetic location: 11p15.4.
Variant type: single nucleotide variant.
Coding change: c.8995T>G on transcript NM_003737.4 (MANE Select); coding-DNA position 8995, T replaced by G.
Protein change: p.Ser2999Ala; replaces serine 2999 with alanine.
Molecular consequence: missense variant.
Genome position (GRCh38, 1-based): chr11:6,622,681, A>C on the plus strand (T>G on the coding strand, the complement: DCHS1 is on the minus strand). VCF-style: chr11-6622681-A-C. GRCh37 (hg19) VCF-style: chr11-6643912-A-C.
Other names: short protein forms S2999A.
Identifiers: ClinVar variation 4741810 (VCV004741810.1).